The following is an entry in ClinVar:

NM_000492.4(CFTR):c.3362C>A (p.Thr1121Lys)

Genes: CFTR (CF transmembrane conductance regulator; plus strand), CFTR-AS2 (CFTR antisense RNA 2; minus strand), LOC111674472 (DNase I hypersensitive sites in introns 16 and 17a of CFTR; plus strand). Cytogenetic location: 7q31.2.
Variant type: single nucleotide variant.
Coding change: c.3362C>A on transcript NM_000492.4 (MANE Select); coding-DNA position 3362, C replaced by A.
Protein change: p.Thr1121Lys; replaces threonine 1121 with lysine.
Molecular consequence: missense variant.
Genome position (GRCh38, 1-based): chr7:117,611,803, C>A. VCF-style: chr7-117611803-C-A. GRCh37 (hg19) VCF-style: chr7-117251857-C-A.
Other names: short protein forms T1121K.
Identifiers: ClinVar variation 4868841 (VCV004868841.1).

ClinVar aggregate classification (germline): Uncertain significance (1 of 4 stars; one submission).

Conditions:
Cystic fibrosis (CF). Also called: MUCOVISCIDOSIS. Identifiers: Orphanet 586, MedGen C0010674, MONDO:0009061, OMIM 219700. Disease mechanism: loss of function.

Submission:

Ambry Genetics
Classification: Uncertain significance for Cystic fibrosis. Last evaluated: 2026-04-26. Review status: criteria provided, single submitter. Criteria: Ambry Variant Classification Scheme 2023. Collection method: clinical testing. Allele origin: germline.
Comment: The p.T1121K variant (also known as c.3362C>A), located in coding exon 20 of the CFTR gene, results from a C to A substitution at nucleotide position 3362. The threonine at codon 1121 is replaced by lysine, an amino acid with similar properties. This amino acid position is conserved. In addition, this alteration is predicted to be deleterious by in silico analysis. Based on the available evidence, the clinical significance of this variant remains unclear.